The following is an entry in ClinVar:

ClinVar aggregate classification (germline): Benign/Likely benign. Review status: criteria provided, multiple submitters, no conflicts (2 of 4 stars). 6 submissions from 6 submitters: Benign (4); Likely benign (1). 1 of the submissions does not count toward it. Last evaluated 2026-02-04.

Allele frequency attached by ClinVar (database versions not stated): ExAC 0.41129; gnomAD exomes 0.41194; 1000 Genomes Project 0.41613; ESP Exome Variant Server 0.41783; 1000 Genomes Project 30x 0.42067; gnomAD 0.42764 and 0.43008; TOPMed 0.42836.
gnomAD v4.1: 662,380 of 1,613,752 alleles (41%); highest among the groups gnomAD compares: Admixed American, 46%; 137,095 homozygotes.

Submissions (6):

Labcorp Genetics (formerly Invitae), Labcorp
Classification: Benign. Last evaluated: 2026-02-04. Review status: criteria provided, single submitter. Criteria: Invitae Variant Classification Sherloc (09022015). Collection method: clinical testing. Allele origin: germline.

Blueprint Genetics
Classification: Likely benign. Last evaluated: 2024-11-27. Review status: criteria provided, single submitter. Criteria: ACMG Guidelines, 2015. Collection method: clinical testing. Allele origin: germline.

GeneDx
Classification: Benign. Last evaluated: 2021-06-09. Review status: criteria provided, single submitter. Criteria: GeneDx Variant Classification Process June 2021. Collection method: clinical testing. Allele origin: germline. Affected: yes.
Comment: This variant is associated with the following publications: (PMID: 23132673, 10557023, 19950601, 19368944, 10071761, 19653005, 25158045, 18956255, 21751002, 23537071, 19895332)

Breakthrough Genomics
Classification: Benign. Review status: criteria provided, single submitter. Criteria: ACMG Guidelines, 2015. Collection method: not provided. Allele origin: germline. Inheritance: Unknown mechanism. Affected: yes.

PreventionGenetics, part of Exact Sciences
Classification: Benign. Review status: criteria provided, single submitter. Criteria: ACMG Guidelines, 2015. Collection method: clinical testing. Allele origin: germline.

Genetic Services Laboratory, University of Chicago
Classification: Likely benign for AllHighlyPenetrant. Review status: no assertion criteria provided. Collection method: clinical testing. Allele origin: germline. Not counted in ClinVar's aggregate classification.
Comment: Likely benign based on allele frequency in 1000 Genomes Project or ESP global frequency and its presence in a patient with a rare or unrelated disease phenotype. NOT Sanger confirmed.

NM_003355.3(UCP2):c.164C>T (p.Ala55Val)

Gene: UCP2 (uncoupling protein 2; minus strand). Cytogenetic location: 11q13.4.
Variant type: single nucleotide variant.
Coding change: c.164C>T on transcript NM_003355.3 (MANE Select); coding-DNA position 164, C replaced by T.
Protein change: p.Ala55Val; replaces alanine 55 with valine.
Molecular consequence: missense variant.
Genome position (GRCh38, 1-based): chr11:73,978,059, G>A on the plus strand (C>T on the coding strand, the complement: UCP2 is on the minus strand). VCF-style: chr11-73978059-G-A. GRCh37 (hg19) VCF-style: chr11-73689104-G-A.
Other names: c.164C>T, p.Ala55Val (NM_001381943.1, NM_001381944.1, NM_001381945.1 and 4 more transcripts); short protein forms A55V.
Identifiers: ClinVar variation 130697 (VCV000130697.17), dbSNP rs660339, ClinGen allele CA155899.